The following is an entry in ClinVar:

ClinVar aggregate classification (germline): Uncertain significance. Review status: criteria provided, multiple submitters, no conflicts (2 of 4 stars). 2 submissions from 2 submitters: Uncertain significance (2). Last evaluated 2024-04-24.

Conditions:
Inborn genetic diseases. Identifiers: MedGen C0950123, MeSH D030342.

Allele frequency attached by ClinVar (database versions not stated): gnomAD 0.00001; gnomAD exomes 0.00002; TOPMed 0.00002; ExAC 0.00008.
gnomAD v4.1: 36 of 1,614,038 alleles (0.0022%); highest among the groups gnomAD compares: Admixed American, 0.005%; no homozygotes.

Submissions (2):

Ambry Genetics
Classification: Uncertain significance for Inborn genetic diseases. Last evaluated: 2024-04-24. Review status: criteria provided, single submitter. Criteria: Ambry Variant Classification Scheme 2023. Collection method: clinical testing. Allele origin: germline.

Labcorp Genetics (formerly Invitae), Labcorp
Classification: Uncertain significance. Last evaluated: 2023-09-22. Review status: criteria provided, single submitter. Criteria: Invitae Variant Classification Sherloc (09022015). Collection method: clinical testing. Allele origin: germline.
Comment: This variant is present in population databases (rs772517257, gnomAD 0.009%). In summary, the available evidence is currently insufficient to determine the role of this variant in disease. Therefore, it has been classified as a Variant of Uncertain Significance. Experimental studies and prediction algorithms are not available or were not evaluated, and the functional significance of this variant is currently unknown. ClinVar contains an entry for this variant (Variation ID: 2187510). This variant has not been reported in the literature in individuals affected with BRD4-related conditions. This sequence change replaces glutamine, which is neutral and polar, with arginine, which is basic and polar, at codon 32 of the BRD4 protein (p.Gln32Arg).

NM_001379291.1(BRD4):c.95A>G (p.Gln32Arg)

Gene: BRD4 (bromodomain containing 4; minus strand). Cytogenetic location: 19p13.12.
Variant type: single nucleotide variant.
Coding change: c.95A>G on transcript NM_001379291.1 (MANE Select); coding-DNA position 95, A replaced by G.
Protein change: p.Gln32Arg; replaces glutamine 32 with arginine.
Molecular consequence: missense variant.
Genome position (GRCh38, 1-based): chr19:15,273,005, T>C on the plus strand (A>G on the coding strand, the complement: BRD4 is on the minus strand). VCF-style: chr19-15273005-T-C. GRCh37 (hg19) VCF-style: chr19-15383816-T-C.
Other names: c.95A>G, p.Gln32Arg (NM_001330384.2, NM_001379292.1, NM_014299.3 and 1 more transcripts); c.95A>G (NM_058243.2); short protein forms Q32R.
Identifiers: ClinVar variation 2187510 (VCV002187510.5), dbSNP rs772517257, ClinGen allele CA9265720.
Genomic context (GRCh38, chr19:15,273,005, plus strand): 5'-TTGGAGGTCTCTGGGGGCGGGGGGTTGGTGCTGGCTGCGTTGGCTGGCTGGGGTTGGGCC[T>C]GGGCCTGTGTTGTAGACATTTGGGAAGTTTCTAGTCCATCCCCCATTACTGGCAGATTTC-3'
Protein context (NP_001366220.1, residues 22-42): ETSQMSTTQA[Gln32Arg]AQPQPANAAS